The following is an entry in ClinVar:

ClinVar aggregate classification (germline): Uncertain significance (1 of 4 stars; one submission).

Conditions:
Neurofibromatosis, type 1 (NF1). Also called: NEUROFIBROMATOSIS, TYPE I, SOMATIC; VON RECKLINGHAUSEN DISEASE; Peripheral type neurofibromatosis; Neurofibromatosis, type I. Identifiers: Orphanet 636, MedGen C0027831, MONDO:0018975, OMIM 162200. Disease mechanism: loss of function.

Submission:

Labcorp Genetics (formerly Invitae), Labcorp
Classification: Uncertain significance for Neurofibromatosis, type 1. Last evaluated: 2022-01-01. Review status: criteria provided, single submitter. Criteria: Invitae Variant Classification Sherloc (09022015). Collection method: clinical testing. Allele origin: germline.
Comment: This variant has not been reported in the literature in individuals affected with NF1-related conditions. In summary, the available evidence is currently insufficient to determine the role of this variant in disease. Therefore, it has been classified as a Variant of Uncertain Significance. Algorithms developed to predict the effect of sequence changes on RNA splicing suggest that this variant may create or strengthen a splice site. Algorithms developed to predict the effect of missense changes on protein structure and function (SIFT, PolyPhen-2, Align-GVGD) all suggest that this variant is likely to be tolerated. This variant is not present in population databases (gnomAD no frequency). This sequence change replaces lysine, which is basic and polar, with arginine, which is basic and polar, at codon 1105 of the NF1 protein (p.Lys1105Arg).

NM_001042492.3(NF1):c.3314A>G (p.Lys1105Arg)

Gene: NF1 (neurofibromin 1; plus strand). Cytogenetic location: 17q11.2.
Variant type: single nucleotide variant.
Coding change: c.3314A>G on transcript NM_001042492.3 (MANE Select); coding-DNA position 3314, A replaced by G.
Protein change: p.Lys1105Arg; replaces lysine 1105 with arginine.
Molecular consequence: missense variant.
Genome position (GRCh38, 1-based): chr17:31,232,189, A>G. VCF-style: chr17-31232189-A-G. GRCh37 (hg19) VCF-style: chr17-29559207-A-G.
Other names: c.3314A>G, p.Lys1105Arg (NM_000267.4); short protein forms K1105R.
Identifiers: ClinVar variation 2068293 (VCV002068293.4), dbSNP rs2508225274, ClinGen allele CA398988944.
Genomic context (GRCh38, chr17:31,232,189, plus strand): 5'-TGCAGCCTGAAGAAGGAGATGGTGTGGAATTGATGGAAGCCAAATCACAGTTATTTCTTA[A>G]GTAAATTTCAGTCACCAAAAAACATAAAGCAAAAAGCAAATAAAGCCCCCCACCACACAA-3'
Protein context (NP_001035957.1, residues 1095-1115): LMEAKSQLFL[Lys1105Arg]YFTLFMNLLN